The following is an entry in ClinVar:

NM_013382.7(POMT2):c.1932G>A (p.Leu644=)

Gene: POMT2 (protein O-mannosyltransferase 2; minus strand). Cytogenetic location: 14q24.3.
Variant type: single nucleotide variant.
Coding change: c.1932G>A on transcript NM_013382.7 (MANE Select); coding-DNA position 1932, G replaced by A.
Protein change: p.Leu644=; no amino-acid change (leucine 644 retained).
Molecular consequence: synonymous variant.
Genome position (GRCh38, 1-based): chr14:77,278,829, C>T on the plus strand (G>A on the coding strand, the complement: POMT2 is on the minus strand). VCF-style: chr14-77278829-C-T. GRCh37 (hg19) VCF-style: chr14-77745172-C-T.
Identifiers: ClinVar variation 509919 (VCV000509919.10), dbSNP rs760608239, ClinGen allele CA7285592.

ClinVar aggregate classification (germline): Likely benign. Review status: criteria provided, multiple submitters, no conflicts (2 of 4 stars). 2 submissions from 2 submitters: Likely benign (2). Last evaluated 2026-01-13.

Conditions:
Muscular dystrophy-dystroglycanopathy (congenital with brain and eye anomalies), type A2. Also called: MUSCULAR DYSTROPHY-DYSTROGLYCANOPATHY (CONGENITAL WITH BRAIN AND EYE ANOMALIES), TYPE A, 2; WALKER-WARBURG SYNDROME OR MUSCLE-EYE-BRAIN DISEASE, POMT2-RELATED. Identifiers: Orphanet 588, Orphanet 899, MedGen C3150411, MONDO:0013154, OMIM 613150.
Muscular dystrophy-dystroglycanopathy (congenital with impaired intellectual development), type B, 2. Also called: Muscular dystrophy-dystroglycanopathy (congenital with intellectual disability), type B2; MUSCULAR DYSTROPHY, CONGENITAL, POMT2-RELATED. Identifiers: MedGen C3150416, MONDO:0013160, OMIM 613156.
Autosomal recessive limb-girdle muscular dystrophy type 2N. Also called: Muscular dystrophy-dystroglycanopathy (limb-girdle), type C, 2; MUSCULAR DYSTROPHY-DYSTROGLYCANOPATHY, LIMB-GIRDLE, POMT2-RELATED. Identifiers: Orphanet 206559, MedGen C3150418, MONDO:0013162, OMIM 613158.

Allele frequency attached by ClinVar (database versions not stated): gnomAD 0.00003; TOPMed 0.00003.
gnomAD v4.1: 8 of 1,613,534 alleles (0.0005%); highest among the groups gnomAD compares: African/African-American, 0.011%; no homozygotes.

Submissions (2):

Labcorp Genetics (formerly Invitae), Labcorp
Classification: Likely benign for Muscular dystrophy-dystroglycanopathy (congenital with impaired intellectual development), type B, 2; Muscular dystrophy-dystroglycanopathy (congenital with brain and eye anomalies), type A2; Autosomal recessive limb-girdle muscular dystrophy type 2N. Last evaluated: 2026-01-13. Review status: criteria provided, single submitter. Criteria: Invitae Variant Classification Sherloc (09022015). Collection method: clinical testing. Allele origin: germline.

GeneDx
Classification: Likely benign. Last evaluated: 2017-06-05. Review status: criteria provided, single submitter. Criteria: GeneDx Variant Classification (06012015). Collection method: clinical testing. Allele origin: germline. Affected: yes.
Comment: This variant is considered likely benign or benign based on one or more of the following criteria: it is a conservative change, it occurs at a poorly conserved position in the protein, it is predicted to be benign by multiple in silico algorithms, and/or has population frequency not consistent with disease.